The following is an entry in ClinVar:

ClinVar aggregate classification (germline): Benign. Review status: criteria provided, multiple submitters, no conflicts (2 of 4 stars). 6 submissions from 6 submitters: Benign (5). 1 of the submissions does not count toward it. Last evaluated 2026-02-04.

Conditions:
Rhizomelic chondrodysplasia punctata type 3 (RCDP3). Also called: Alkylglycerone Phosphate Synthase (AGPS) deficiency; ALKYLDIHYDROXYACETONEPHOSPHATE SYNTHASE DEFICIENCY. Identifiers: Orphanet 177, Orphanet 309803, MedGen C1838612, MONDO:0010823, OMIM 600121. Disease mechanism: loss of function.

Allele frequency attached by ClinVar (database versions not stated): ExAC 0.11496; ESP Exome Variant Server 0.07904; TOPMed 0.09095; gnomAD 0.09097 and 0.08514; 1000 Genomes Project 30x 0.13117; 1000 Genomes Project 0.13598; gnomAD exomes 0.11376 and 0.10205.
gnomAD v4.1: 163,726 of 1,612,246 alleles (10%); highest among the groups gnomAD compares: East Asian, 37%; 10,782 homozygotes.

Submissions (6):

Labcorp Genetics (formerly Invitae), Labcorp
Classification: Benign. Last evaluated: 2026-02-04. Review status: criteria provided, single submitter. Criteria: Invitae Variant Classification Sherloc (09022015). Collection method: clinical testing. Allele origin: germline.

Genome-Nilou Lab
Classification: Benign for Rhizomelic chondrodysplasia punctata type 3. Last evaluated: 2021-07-10. Review status: criteria provided, single submitter. Criteria: ACMG Guidelines, 2015. Collection method: clinical testing. Allele origin: germline. Affected: no.

GeneDx
Classification: Benign. Last evaluated: 2016-05-05. Review status: criteria provided, single submitter. Criteria: GeneDx Variant Classification (06012015). Collection method: clinical testing. Allele origin: germline. Affected: yes.
Comment: This variant is considered likely benign or benign based on one or more of the following criteria: it is a conservative change, it occurs at a poorly conserved position in the protein, it is predicted to be benign by multiple in silico algorithms, and/or has population frequency not consistent with disease.

Breakthrough Genomics
Classification: Benign. Review status: criteria provided, single submitter. Criteria: ACMG Guidelines, 2015. Collection method: not provided. Allele origin: germline. Inheritance: Autosomal recessive inheritance. Affected: yes.

PreventionGenetics, part of Exact Sciences
Classification: Benign. Review status: criteria provided, single submitter. Criteria: ACMG Guidelines, 2015. Collection method: clinical testing. Allele origin: germline.

Mayo Clinic Laboratories, Mayo Clinic
Classification: Benign. Last evaluated: 2015-12-15. Review status: no assertion criteria provided. Collection method: clinical testing. Allele origin: unknown. Not counted in ClinVar's aggregate classification.

NM_003659.4(AGPS):c.1856-16G>T

Gene: AGPS (alkylglycerone phosphate synthase; plus strand). Cytogenetic location: 2q31.2.
Variant type: single nucleotide variant.
Coding change: c.1856-16G>T on transcript NM_003659.4 (MANE Select); 16 bases into the intron before coding-DNA position 1856, G replaced by T.
Molecular consequence: intron variant.
Genome position (GRCh38, 1-based): chr2:177,538,058, G>T. VCF-style: chr2-177538058-G-T. GRCh37 (hg19) VCF-style: chr2-178402786-G-T.
Identifiers: ClinVar variation 259117 (VCV000259117.16), dbSNP rs3213945, ClinGen allele CA1980458.
Genomic context (GRCh38, chr2:177,538,058, plus strand): 5'-TCACTCATGGTCACAAGATTGATTGGTTCCCAGTATCATAGCATATATTGAAGCATTTTT[G>T]ATTTTGTTTTTCCAGTGGGCAAGTTACGGAAGCAATGGCTAAAGGAAAGTATCTCTGATG-3'